The following is an entry in ClinVar:

ClinVar aggregate classification (germline): Likely pathogenic (1 of 4 stars; one submission).

Conditions:
Gaucher disease. Also called: Acute cerebral Gaucher disease; Cerebroside lipidosis syndrome; Gaucher splenomegaly; Sphingolipidosis 1; Glucocerebrosidosis; Glucosylceramidase deficiency. Identifiers: Orphanet 355, MedGen C0017205, MONDO:0018150.

Submission:

Natera, Inc.
Classification: Likely pathogenic for Gaucher disease. Last evaluated: 2025-09-30. Review status: criteria provided, single submitter. Criteria: Natera Variant Classification Schema (03/2026). Collection method: clinical testing. Allele origin: germline.
Comment: The c.659C>G variant in GBA1 is a nonsense variant predicted to introduce a stop codon at amino acid 220. This variant is expected to result in nonsense mediated decay, truncation, or a dysfunctional protein product. This variant is rare in the general population with a frequency below the threshold expected for the associated phenotype(s). Given the available evidence, this variant is classified as Likely Pathogenic.

NM_000157.4(GBA1):c.659C>G (p.Ser220Ter)

Genes: GBA1 (glucosylceramidase beta 1; minus strand), LOC106627981 (GBA recombination region; plus strand). Cytogenetic location: 1q22.
Variant type: single nucleotide variant.
Coding change: c.659C>G on transcript NM_000157.4 (MANE Select); coding-DNA position 659, C replaced by G.
Protein change: p.Ser220Ter; replaces serine 220 with a stop codon.
Molecular consequence: nonsense.
Genome position (GRCh38, 1-based): chr1:155,238,236, G>C on the plus strand (C>G on the coding strand, the complement: GBA1 is on the minus strand). VCF-style: chr1-155238236-G-C. GRCh37 (hg19) VCF-style: chr1-155208027-G-C.
Other names: c.659C>G, p.Ser220Ter (NM_001005741.3, NM_001005742.3); c.398C>G, p.Ser133Ter (NM_001171811.2); c.512C>G, p.Ser171Ter (NM_001171812.2); short protein forms S133*, S171*, S220*.
Identifiers: ClinVar variation 4817789 (VCV004817789.1).